The following is an entry in ClinVar:

ClinVar aggregate classification (germline): Benign. Review status: criteria provided, multiple submitters, no conflicts (2 of 4 stars). 11 submissions from 11 submitters: Benign (8). 3 of the submissions do not count toward it. Last evaluated 2026-02-04.

Conditions:
Kufor-Rakeb syndrome (KRS). Also called: PARKINSON DISEASE 9, AUTOSOMAL RECESSIVE, JUVENILE-ONSET. Identifiers: Orphanet 306674, Orphanet 314632, MedGen C1847640, MONDO:0011706, OMIM 606693.
Autosomal recessive spastic paraplegia type 78. Identifiers: Orphanet 513436, MedGen C5567893, MONDO:0014975, OMIM 617225.
Inborn genetic diseases. Identifiers: MedGen C0950123, MeSH D030342.

Allele frequency attached by ClinVar (database versions not stated): gnomAD exomes 0.02633 and 0.03320; ExAC 0.02863; 1000 Genomes Project 0.03474; 1000 Genomes Project 30x 0.03560; gnomAD 0.03908 and 0.04044; TOPMed 0.03956; ESP Exome Variant Server 0.04060.
gnomAD v4.1: 54,360 of 1,612,546 alleles (3.4%); highest among the groups gnomAD compares: African/African-American, 6.7%; 1,103 homozygotes.

Submissions (11):

Labcorp Genetics (formerly Invitae), Labcorp
Classification: Benign for Kufor-Rakeb syndrome; Autosomal recessive spastic paraplegia type 78. Last evaluated: 2026-02-04. Review status: criteria provided, single submitter. Criteria: Invitae Variant Classification Sherloc (09022015). Collection method: clinical testing. Allele origin: germline.

GeneDx
Classification: Benign. Last evaluated: 2018-08-17. Review status: criteria provided, single submitter. Criteria: GeneDx Variant Classification Process June 2021. Collection method: clinical testing. Allele origin: germline. Affected: yes.

Illumina Laboratory Services, Illumina
Classification: Benign for Kufor-Rakeb syndrome. Last evaluated: 2018-01-12. Review status: criteria provided, single submitter. Criteria: ICSL Variant Classification Criteria 13 December 2019. Collection method: clinical testing. Allele origin: germline.
Comment: This variant was observed in the ICSL laboratory as part of a predisposition screen in an ostensibly healthy population. It had not been previously curated by ICSL or reported in the Human Gene Mutation Database (HGMD: prior to June 1st, 2018), and was therefore a candidate for classification through an automated scoring system. Utilizing variant allele frequency, disease prevalence and penetrance estimates, and inheritance mode, an automated score was calculated to assess if this variant is too frequent to cause the disease. Based on the score and internal cut-off values, a variant classified as benign is not then subjected to further curation. The score for this variant resulted in a classification of benign for this disease.

Athena Diagnostics
Classification: Benign. Last evaluated: 2017-06-29. Review status: criteria provided, single submitter. Criteria: Athena Diagnostics Criteria. Collection method: clinical testing. Allele origin: germline.

Ambry Genetics
Classification: Benign for Inborn genetic diseases. Last evaluated: 2016-03-18. Review status: criteria provided, single submitter. Criteria: Ambry Variant Classification Scheme 2023. Collection method: clinical testing. Allele origin: germline.

Genetic Services Laboratory, University of Chicago
Classification: Benign for AllHighlyPenetrant. Last evaluated: 2013-08-15. Review status: criteria provided, single submitter. Criteria: ACMG Guidelines, 2007. Collection method: clinical testing. Allele origin: germline. Inheritance: Autosomal recessive inheritance.

Breakthrough Genomics
Classification: Benign. Review status: criteria provided, single submitter. Criteria: ACMG Guidelines, 2015. Collection method: not provided. Allele origin: germline. Inheritance: Autosomal recessive inheritance. Affected: yes.

PreventionGenetics, part of Exact Sciences
Classification: Benign. Review status: criteria provided, single submitter. Criteria: ACMG Guidelines, 2015. Collection method: clinical testing. Allele origin: germline.

Mayo Clinic Laboratories, Mayo Clinic
Classification: Benign. Last evaluated: 2017-05-15. Review status: no assertion criteria provided. Collection method: clinical testing. Allele origin: unknown. Not counted in ClinVar's aggregate classification.

Clinical Genetics DNA and cytogenetics Diagnostics Lab, Erasmus MC, Erasmus Medical Center
Classification: Benign. Review status: no assertion criteria provided. Collection method: clinical testing. Allele origin: germline. Affected: yes. Study: VKGL Data-share Consensus. Not counted in ClinVar's aggregate classification.

Genome Diagnostics Laboratory, Amsterdam University Medical Center
Classification: Benign. Review status: no assertion criteria provided. Collection method: clinical testing. Allele origin: germline. Affected: yes. Study: VKGL Data-share Consensus. Not counted in ClinVar's aggregate classification.

Literature cited by the submitters: PubMed 17485642 (cited by Athena Diagnostics); PubMed 22743658 (cited by Athena Diagnostics).

NM_022089.4(ATP13A2):c.1005C>T (p.Ala335=)

Gene: ATP13A2 (ATPase cation transporting 13A2; minus strand). Cytogenetic location: 1p36.13.
Variant type: single nucleotide variant.
Coding change: c.1005C>T on transcript NM_022089.4 (MANE Select); coding-DNA position 1005, C replaced by T.
Protein change: p.Ala335=; no amino-acid change (alanine 335 retained).
Molecular consequence: synonymous variant.
Genome position (GRCh38, 1-based): chr1:17,000,045, G>A on the plus strand (C>T on the coding strand, the complement: ATP13A2 is on the minus strand). VCF-style: chr1-17000045-G-A. GRCh37 (hg19) VCF-style: chr1-17326540-G-A.
Other names: c.990C>T, p.Ala330= (NM_001141973.3, NM_001141974.3).
Identifiers: ClinVar variation 128463 (VCV000128463.64), dbSNP rs56290406, ClinGen allele CA151942.